The following is an entry in ClinVar:

ClinVar aggregate classification (germline): Uncertain significance (1 of 4 stars; one submission).

Submission:

Labcorp Genetics (formerly Invitae), Labcorp
Classification: Uncertain significance. Last evaluated: 2023-12-06. Review status: criteria provided, single submitter. Criteria: Invitae Variant Classification Sherloc (09022015). Collection method: clinical testing. Allele origin: germline.
Comment: This sequence change creates a premature translational stop signal (p.Ala24Glyfs*16) in the CAMK2B gene. It is expected to result in an absent or disrupted protein product. However, the current clinical and genetic evidence is not sufficient to establish whether loss-of-function variants in CAMK2B cause disease. This variant is not present in population databases (gnomAD no frequency). This variant has not been reported in the literature in individuals affected with CAMK2B-related conditions. In summary, the available evidence is currently insufficient to determine the role of this variant in disease. Therefore, it has been classified as a Variant of Uncertain Significance.

NC_000007.14:g.44284226dup

Gene: CAMK2B (calcium/calmodulin dependent protein kinase II beta; minus strand). Cytogenetic location: 7p13.
Variant type: Duplication.
Genome position: GRCh38 VCF-style: chr7-44284220-G-GC. GRCh37 (hg19) VCF-style: chr7-44323819-G-GC.
Identifiers: ClinVar variation 2745668 (VCV002745668.3), dbSNP rs2487970193, ClinGen allele CA2682615398.
Genomic context (GRCh38, chr7:44,284,220, plus strand): 5'-ATCTTGGCTGCATACTCATGGCCGGTGCAGAGCTTGACACAGCGTCGGACCACAGAGAAA[G>GC]CCCCCCTGGGGAGGAAAATGGGGGAGCGAGAGACAGAGACAGAGACAGACAAGGAGAAAG-3'